The following is an entry in ClinVar:

ClinVar aggregate classification (germline): Likely pathogenic (1 of 4 stars; one submission).

Conditions:
Fanconi anemia (FA). Also called: Fanconi's anemia. Identifiers: Orphanet 84, MedGen C0015625, MeSH D005199, MONDO:0019391.

Allele frequency attached by ClinVar (database versions not stated): ExAC 0.00001; ESP Exome Variant Server 0.00008.

Submission:

Labcorp Genetics (formerly Invitae), Labcorp
Classification: Likely pathogenic for Fanconi anemia. Last evaluated: 2023-08-04. Review status: criteria provided, single submitter. Criteria: Invitae Variant Classification Sherloc (09022015). Collection method: clinical testing. Allele origin: germline.
Comment: This sequence change affects an acceptor splice site in intron 2 of the FANCI gene. It is expected to disrupt RNA splicing. Variants that disrupt the donor or acceptor splice site typically lead to a loss of protein function (PMID: 16199547), and loss-of-function variants in FANCI are known to be pathogenic (PMID: 17452773, 17460694). This variant is present in population databases (rs138313760, gnomAD 0.0009%). This variant has not been reported in the literature in individuals affected with FANCI-related conditions. ClinVar contains an entry for this variant (Variation ID: 2026652). Algorithms developed to predict the effect of sequence changes on RNA splicing suggest that this variant may disrupt the consensus splice site. In summary, the currently available evidence indicates that the variant is pathogenic, but additional data are needed to prove that conclusively. Therefore, this variant has been classified as Likely Pathogenic.

Literature cited by the submitters: PubMed 16199547; PubMed 17452773; PubMed 17460694.

NM_001113378.2(FANCI):c.85-2A>G

Gene: FANCI (FA complementation group I; plus strand). Cytogenetic location: 15q26.1.
Variant type: single nucleotide variant.
Coding change: c.85-2A>G on transcript NM_001113378.2 (MANE Select); the canonical splice acceptor site of the intron before coding-DNA position 85, A replaced by G.
Molecular consequence: splice acceptor variant.
Genome position (GRCh38, 1-based): chr15:89,258,702, A>G. VCF-style: chr15-89258702-A-G. GRCh37 (hg19) VCF-style: chr15-89801933-A-G.
Other names: c.85-2A>G (NM_018193.3, NM_001376911.1); c.-195-2A>G (NM_001376910.1).
Identifiers: ClinVar variation 2026652 (VCV002026652.4), dbSNP rs138313760, ClinGen allele CA7722490.
Genomic context (GRCh38, chr15:89,258,702, plus strand): 5'-TGTTTAGGTCATTGGGGTAAAAGACTGTTGCCAGAGACTTGTACCTTTTTCTTTCTTTGC[A>G]GTTGACTAATCTCCTTCAGAATCAAGCAGTGAAAGGAAAAGTTGCTGGAGCACTCCTGAG-3'